The following is an entry in ClinVar:

ClinVar aggregate classification (germline): Likely benign. Review status: criteria provided, multiple submitters, no conflicts (2 of 4 stars). 3 submissions from 3 submitters: Likely benign (2). 1 of the submissions does not count toward it. Last evaluated 2025-02-11.

Conditions:
NDUFS8-related disorder. Also called: NDUFS8-related condition.

Allele frequency attached by ClinVar (database versions not stated): gnomAD exomes 0.00011; ExAC 0.00016; gnomAD 0.00048; TOPMed 0.00051; ESP Exome Variant Server 0.00085; 1000 Genomes Project 0.00120; 1000 Genomes Project 30x 0.00156.
gnomAD v4.1: 159 of 1,612,112 alleles (0.0099%); highest among the groups gnomAD compares: African/African-American, 0.15%; no homozygotes.

Submissions (3):

Labcorp Genetics (formerly Invitae), Labcorp
Classification: Likely benign. Last evaluated: 2025-02-11. Review status: criteria provided, single submitter. Criteria: Invitae Variant Classification Sherloc (09022015). Collection method: clinical testing. Allele origin: germline.

GeneDx
Classification: Likely benign. Last evaluated: 2019-07-29. Review status: criteria provided, single submitter. Criteria: GeneDx Variant Classification Process June 2021. Collection method: clinical testing. Allele origin: germline. Affected: yes.

PreventionGenetics, part of Exact Sciences
Classification: Likely benign for NDUFS8-related condition. Last evaluated: 2024-06-22. Review status: no assertion criteria provided. Collection method: clinical testing. Allele origin: germline. Not counted in ClinVar's aggregate classification.
Comment: This variant is classified as likely benign based on ACMG/AMP sequence variant interpretation guidelines (Richards et al. 2015 PMID: 25741868, with internal and published modifications).

NM_002496.4(NDUFS8):c.300G>A (p.Ala100=)

Gene: NDUFS8 (NADH:ubiquinone oxidoreductase core subunit S8; plus strand). Cytogenetic location: 11q13.2.
Variant type: single nucleotide variant.
Coding change: c.300G>A on transcript NM_002496.4 (MANE Select); coding-DNA position 300, G replaced by A.
Protein change: p.Ala100=; no amino-acid change (alanine 100 retained).
Molecular consequence: synonymous variant.
Genome position (GRCh38, 1-based): chr11:68,033,211, G>A. VCF-style: chr11-68033211-G-A. GRCh37 (hg19) VCF-style: chr11-67800678-G-A.
Identifiers: ClinVar variation 381394 (VCV000381394.13), dbSNP rs80240555, ClinGen allele CA6146438.